The following is an entry in ClinVar:

NM_001042424.3(NSD2):c.922A>G (p.Ile308Val)

Gene: NSD2 (nuclear receptor binding SET domain protein 2; plus strand). Cytogenetic location: 4p16.3.
Variant type: single nucleotide variant.
Coding change: c.922A>G on transcript NM_001042424.3 (MANE Select); coding-DNA position 922, A replaced by G.
Protein change: p.Ile308Val; replaces isoleucine 308 with valine.
Molecular consequence: missense variant. On other transcripts: 5 prime UTR variant (2).
Genome position (GRCh38, 1-based): chr4:1,917,032, A>G. VCF-style: chr4-1917032-A-G. GRCh37 (hg19) VCF-style: chr4-1918759-A-G.
Other names: c.922A>G, p.Ile308Val (NM_133331.3, NM_133334.3, NM_133335.4 and 8 more transcripts); c.1021A>G, p.Ile341Val (NM_001440893.1); c.-48A>G (NM_001440899.1, NM_001440900.1); short protein forms I308V, I341V.
Identifiers: ClinVar variation 5006763 (VCV005006763.2).

ClinVar aggregate classification (germline): Uncertain significance (1 of 4 stars; one submission).

Conditions:
Rauch-Steindl syndrome (RAUST). Identifiers: Orphanet 659642, MedGen C5562061, MONDO:0859219, OMIM 619695.

gnomAD v4.1: 2 of 1,611,916 alleles (0.00012%); highest among the groups gnomAD compares: Non-Finnish European, 0.00017%; no homozygotes.

Submission:

Juno Genomics, Hangzhou Juno Genomics, Inc
Classification: Uncertain significance for Rauch-Steindl syndrome. Review status: criteria provided, single submitter. Criteria: ACMG Guidelines, 2015. Collection method: clinical testing. Allele origin: germline.
Comment: Absent from controls (or at extremely low frequency if recessive) in Genome Aggregation Database.;Multiple lines of computational evidence support a deleterious effect on the gene or gene product.